The following is an entry in ClinVar:

NM_006563.5(KLF1):c.809C>G (p.Ser270Trp)

Genes: KLF1 (KLF transcription factor 1; minus strand), LOC117125591 (CRISPRi-FlowFISH-validated PRDX2 and RAD23A regulatory element; plus strand). Cytogenetic location: 19p13.13.
Variant type: single nucleotide variant.
Coding change: c.809C>G on transcript NM_006563.5 (MANE Select); coding-DNA position 809, C replaced by G.
Protein change: p.Ser270Trp; replaces serine 270 with tryptophan.
Molecular consequence: missense variant.
Genome position (GRCh38, 1-based): chr19:12,885,421, G>C on the plus strand (C>G on the coding strand, the complement: KLF1 is on the minus strand). VCF-style: chr19-12885421-G-C. GRCh37 (hg19) VCF-style: chr19-12996235-G-C.
Other names: short protein forms S270W.
Identifiers: ClinVar variation 803524 (VCV000803524.7), dbSNP rs558942739, ClinGen allele CA9234007.

ClinVar aggregate classification (germline): Conflicting classifications of pathogenicity. Review status: criteria provided, conflicting classifications (1 of 4 stars). 2 submissions from 2 submitters: Uncertain significance (1); Benign (1). Last evaluated 2025-12-22.

Conditions:
BLOOD GROUP--LUTHERAN INHIBITOR (INLU). Also called: DOMINANT LU (a-b-) PHENOTYPE. Identifiers: MedGen C1292231, OMIM 111150.

Allele frequency attached by ClinVar (database versions not stated): TOPMed below 0.00001; gnomAD 0.00001; 1000 Genomes Project 30x 0.00016; 1000 Genomes Project 0.00020.
gnomAD v4.1: 7 of 1,606,066 alleles (0.00044%); highest among the groups gnomAD compares: East Asian, 0.016%; no homozygotes.

Submissions (3):

Labcorp Genetics (formerly Invitae), Labcorp
Classification: Uncertain significance. Last evaluated: 2025-12-22. Review status: criteria provided, single submitter. Criteria: Invitae Variant Classification Sherloc (09022015). Collection method: clinical testing. Allele origin: germline.
Comment: This sequence change replaces serine, which is neutral and polar, with tryptophan, which is neutral and slightly polar, at codon 270 of the KLF1 protein (p.Ser270Trp). This variant is present in population databases (rs558942739, gnomAD 0.04%), including at least one homozygous and/or hemizygous individual. This missense change has been observed in individual(s) with haemolytic anaemia (PMID: 37507221). ClinVar contains an entry for this variant (Variation ID: 803524). Invitae Evidence Modeling of protein sequence and biophysical properties (such as structural, functional, and spatial information, amino acid conservation, physicochemical variation, residue mobility, and thermodynamic stability) indicates that this missense variant is expected to disrupt KLF1 protein function with a positive predictive value of 80%. In summary, the available evidence is currently insufficient to determine the role of this variant in disease. Therefore, it has been classified as a Variant of Uncertain Significance.

Mendelics
Classification: Benign for BLOOD GROUP--LUTHERAN INHIBITOR. Last evaluated: 2019-05-28. Review status: criteria provided, single submitter. Criteria: Mendelics Assertion Criteria 2017. Collection method: clinical testing. Allele origin: unknown.

Dr. Peter K. Rogan Lab, Western University
No classification provided (evidence only). Condition: Malignant lymphoma, large B-cell, diffuse. Review status: no classification provided. Collection method: in vitro. Allele origin: not applicable. Functional consequence: retained intron. Not counted in ClinVar's aggregate classification.

Literature cited by the submitters: PubMed 37507221 (cited by Labcorp Genetics (formerly Invitae), Labcorp).